The following is an entry in ClinVar:

ClinVar aggregate classification (germline): Uncertain significance (0 of 4 stars; one submission).

Conditions:
BDNF-related disorder. Also called: BDNF-related condition.

gnomAD v4.1: 3 of 1,599,150 alleles (0.00019%); highest among the groups gnomAD compares: Non-Finnish European, 0.00026%; no homozygotes.

Submission:

PreventionGenetics, part of Exact Sciences
Classification: Uncertain significance for BDNF-related condition. Last evaluated: 2024-04-01. Review status: no assertion criteria provided. Collection method: clinical testing. Allele origin: germline.
Comment: The BDNF c.65C>T variant is predicted to result in the amino acid substitution p.Ala22Val. To our knowledge, this variant has not been reported in the literature. This variant is reported in 0.0065% of alleles in individuals of European (Non-Finnish) descent in gnomAD. At this time, the clinical significance of this variant is uncertain due to the absence of conclusive functional and genetic evidence.

NM_001709.5(BDNF):c.-21-15635C>T

Genes: BDNF (brain derived neurotrophic factor; minus strand), BDNF-AS (BDNF antisense RNA; plus strand). Cytogenetic location: 11p14.1.
Variant type: single nucleotide variant.
Coding change: c.-21-15635C>T on transcript NM_001709.5 (MANE Select); 15635 bases into the intron before 21 bases upstream of the start codon, C replaced by T.
Molecular consequence: intron variant. On other transcripts: missense variant (1), 5 prime UTR variant (1).
Genome position (GRCh38, 1-based): chr11:27,674,220, G>A on the plus strand (C>T on the coding strand, the complement: BDNF is on the minus strand). VCF-style: chr11-27674220-G-A. GRCh37 (hg19) VCF-style: chr11-27695767-G-A.
Other names: c.65C>T, p.Ala22Val (NM_001143810.2); c.-299C>T (NM_001143811.2); c.4-15635C>T (NM_170731.5); c.-21-15635C>T (NM_001143805.1, NM_001143806.1, NM_170732.4 and 5 more transcripts); c.67-15635C>T (NM_001143809.2); c.-128-15294C>T (NM_001143814.2); c.25-15635C>T (NM_170734.4); short protein forms A22V.
Identifiers: ClinVar variation 3355664 (VCV003355664.1).